The following is an entry in ClinVar:

ClinVar aggregate classification (germline): Uncertain significance (1 of 4 stars; one submission).

Submission:

Labcorp Genetics (formerly Invitae), Labcorp
Classification: Uncertain significance. Last evaluated: 2024-01-07. Review status: criteria provided, single submitter. Criteria: Invitae Variant Classification Sherloc (09022015). Collection method: clinical testing. Allele origin: germline.
Comment: This sequence change replaces arginine, which is basic and polar, with proline, which is neutral and non-polar, at codon 122 of the TMEM240 protein (p.Arg122Pro). This variant is not present in population databases (gnomAD no frequency). This variant has not been reported in the literature in individuals affected with TMEM240-related conditions. An algorithm developed to predict the effect of missense changes on protein structure and function (PolyPhen-2) suggests that this variant is likely to be disruptive. In summary, the available evidence is currently insufficient to determine the role of this variant in disease. Therefore, it has been classified as a Variant of Uncertain Significance.

NM_001114748.2(TMEM240):c.365G>C (p.Arg122Pro)

Gene: TMEM240 (transmembrane protein 240; minus strand). Cytogenetic location: 1p36.33.
Variant type: single nucleotide variant.
Coding change: c.365G>C on transcript NM_001114748.2 (MANE Select); coding-DNA position 365, G replaced by C.
Protein change: p.Arg122Pro; replaces arginine 122 with proline.
Molecular consequence: missense variant.
Genome position (GRCh38, 1-based): chr1:1,535,597, C>G on the plus strand (G>C on the coding strand, the complement: TMEM240 is on the minus strand). VCF-style: chr1-1535597-C-G. GRCh37 (hg19) VCF-style: chr1-1470977-C-G.
Other names: short protein forms R122P.
Identifiers: ClinVar variation 2708072 (VCV002708072.3), dbSNP rs1339640590, ClinGen allele CA337866341.